The following is an entry in ClinVar:

ClinVar aggregate classification (germline): Likely benign (1 of 4 stars; one submission).

Conditions:
PLEC-related disorder. Also called: PLEC-related condition; PLEC-related disorders.

gnomAD v4.1: 30 of 1,610,708 alleles (0.0019%); highest among the groups gnomAD compares: Admixed American, 0.0033%; no homozygotes.

Submission:

PreventionGenetics, part of Exact Sciences
Classification: Likely benign for PLEC-related condition. Last evaluated: 2026-05-07. Review status: criteria provided, single submitter. Criteria: ACMG Guidelines, 2015. Collection method: clinical testing. Allele origin: germline.
Comment: This variant is classified as likely benign based on ACMG/AMP sequence variant interpretation guidelines (Richards et al. 2015 PMID: 25741868, with internal and published modifications).

NM_201378.4(PLEC):c.71-5202G>A

Gene: PLEC (plectin; minus strand). Cytogenetic location: 8q24.3.
Variant type: single nucleotide variant.
Coding change: c.71-5202G>A on transcript NM_201378.4 (MANE Plus Clinical); 5202 bases into the intron before coding-DNA position 71, G replaced by A.
Molecular consequence: intron variant. On other transcripts: 5 prime UTR variant (1).
Genome position (GRCh38, 1-based): chr8:143,943,894, C>T on the plus strand (G>A on the coding strand, the complement: PLEC is on the minus strand). VCF-style: chr8-143943894-C-T. GRCh37 (hg19) VCF-style: chr8-145018062-C-T.
Other names: c.-4G>A (NM_201382.4); c.194-5202G>A (NM_001410941.1, NM_000445.5); c.47-5202G>A (NM_201379.3); c.524-5202G>A (NM_201380.4); c.16+754G>A (NM_201381.3).
Identifiers: ClinVar variation 4984392 (VCV004984392.1).